The following is an entry in ClinVar:

NM_006059.4(LAMC3):c.544G>A (p.Gly182Ser)

Gene: LAMC3 (laminin subunit gamma 3; plus strand). Cytogenetic location: 9q34.12.
Variant type: single nucleotide variant.
Coding change: c.544G>A on transcript NM_006059.4 (MANE Select); coding-DNA position 544, G replaced by A.
Protein change: p.Gly182Ser; replaces glycine 182 with serine.
Molecular consequence: missense variant.
Genome position (GRCh38, 1-based): chr9:131,026,455, G>A. VCF-style: chr9-131026455-G-A. GRCh37 (hg19) VCF-style: chr9-133901842-G-A.
Other names: c.544G>A (NM_006059.3); short protein forms G182S.
Identifiers: ClinVar variation 1383971 (VCV001383971.9), dbSNP rs141325432, ClinGen allele CA5286726.

ClinVar aggregate classification (germline): Uncertain significance. Review status: criteria provided, multiple submitters, no conflicts (2 of 4 stars). 4 submissions from 4 submitters: Uncertain significance (4). Last evaluated 2025-02-03.

Conditions:
Inborn genetic diseases. Identifiers: MedGen C0950123, MeSH D030342.

Allele frequency attached by ClinVar (database versions not stated): gnomAD exomes 0.00005 and 0.00011; ExAC 0.00014; gnomAD 0.00014; ESP Exome Variant Server 0.00015; TOPMed 0.00016; 1000 Genomes Project 0.00040; 1000 Genomes Project 30x 0.00047.
gnomAD v4.1: 101 of 1,613,576 alleles (0.0063%); highest among the groups gnomAD compares: African/African-American, 0.047%; no homozygotes.

Submissions (4):

GeneDx
Classification: Uncertain significance. Last evaluated: 2025-02-03. Review status: criteria provided, single submitter. Criteria: GeneDx Variant Classification Process June 2021. Collection method: clinical testing. Allele origin: germline. Affected: yes.
Comment: In silico analysis supports that this missense variant has a deleterious effect on protein structure/function; Has not been previously published as pathogenic or benign to our knowledge

Ambry Genetics
Classification: Uncertain significance for Inborn genetic diseases. Last evaluated: 2024-04-05. Review status: criteria provided, single submitter. Criteria: Ambry Variant Classification Scheme 2023. Collection method: clinical testing. Allele origin: germline.

Labcorp Genetics (formerly Invitae), Labcorp
Classification: Uncertain significance. Last evaluated: 2023-12-11. Review status: criteria provided, single submitter. Criteria: Invitae Variant Classification Sherloc (09022015). Collection method: clinical testing. Allele origin: germline.
Comment: This sequence change replaces glycine, which is neutral and non-polar, with serine, which is neutral and polar, at codon 182 of the LAMC3 protein (p.Gly182Ser). This variant is present in population databases (rs141325432, gnomAD 0.05%). This variant has not been reported in the literature in individuals affected with LAMC3-related conditions. ClinVar contains an entry for this variant (Variation ID: 1383971). An algorithm developed to predict the effect of missense changes on protein structure and function (PolyPhen-2) suggests that this variant is likely to be disruptive. In summary, the available evidence is currently insufficient to determine the role of this variant in disease. Therefore, it has been classified as a Variant of Uncertain Significance.

Breakthrough Genomics
Classification: Uncertain significance. Review status: criteria provided, single submitter. Criteria: ACMG Guidelines, 2015. Collection method: not provided. Allele origin: germline. Inheritance: Autosomal recessive inheritance. Affected: yes.